The following is an entry in ClinVar:

NM_001286611.2(REPS1):c.1415G>T (p.Arg472Ile)

Gene: REPS1 (RALBP1 associated Eps domain containing 1; minus strand). Cytogenetic location: 6q24.1.
Variant type: single nucleotide variant.
Coding change: c.1415G>T on transcript NM_001286611.2 (MANE Select); coding-DNA position 1415, G replaced by T.
Protein change: p.Arg472Ile; replaces arginine 472 with isoleucine.
Molecular consequence: missense variant.
Genome position (GRCh38, 1-based): chr6:138,921,048, C>A on the plus strand (G>T on the coding strand, the complement: REPS1 is on the minus strand). VCF-style: chr6-138921048-C-A. GRCh37 (hg19) VCF-style: chr6-139242185-C-A.
Other names: c.1334G>T, p.Arg445Ile (NM_001128617.3, NM_001286612.2); c.1415G>T, p.Arg472Ile (NM_031922.5); c.1415G>T (NM_031922.3); short protein forms R472I, R445I.
Identifiers: ClinVar variation 2884514 (VCV002884514.4), dbSNP rs1780721138, ClinGen allele CA365809818.

ClinVar aggregate classification (germline): Uncertain significance. Review status: criteria provided, multiple submitters, no conflicts (2 of 4 stars). 2 submissions from 2 submitters: Uncertain significance (2). Last evaluated 2024-06-24.

Allele frequency attached by ClinVar (database versions not stated): gnomAD exomes below 0.00001; gnomAD 0.00002; TOPMed 0.00008.
gnomAD v4.1: 7 of 1,611,898 alleles (0.00043%); highest among the groups gnomAD compares: Admixed American, 0.0067%; no homozygotes.

Submissions (2):

Labcorp Genetics (formerly Invitae), Labcorp
Classification: Uncertain significance. Last evaluated: 2024-06-24. Review status: criteria provided, single submitter. Criteria: Invitae Variant Classification Sherloc (09022015). Collection method: clinical testing. Allele origin: germline.
Comment: This sequence change replaces arginine, which is basic and polar, with isoleucine, which is neutral and non-polar, at codon 472 of the REPS1 protein (p.Arg472Ile). This variant is not present in population databases (gnomAD no frequency). This variant has not been reported in the literature in individuals affected with REPS1-related conditions. Advanced modeling of protein sequence and biophysical properties (such as structural, functional, and spatial information, amino acid conservation, physicochemical variation, residue mobility, and thermodynamic stability) performed at Invitae indicates that this missense variant is expected to disrupt REPS1 protein function with a positive predictive value of 80%. In summary, the available evidence is currently insufficient to determine the role of this variant in disease. Therefore, it has been classified as a Variant of Uncertain Significance.

Ambry Genetics
Classification: Uncertain significance. Last evaluated: 2023-09-20. Review status: criteria provided, single submitter. Criteria: Ambry Variant Classification Scheme 2023. Collection method: clinical testing. Allele origin: germline.